The following is an entry in ClinVar:

ClinVar aggregate classification (germline): Uncertain significance (1 of 4 stars; one submission).

Submission:

Labcorp Genetics (formerly Invitae), Labcorp
Classification: Uncertain significance. Last evaluated: 2022-02-08. Review status: criteria provided, single submitter. Criteria: Invitae Variant Classification Sherloc (09022015). Collection method: clinical testing. Allele origin: germline.
Comment: In summary, the available evidence is currently insufficient to determine the role of this variant in disease. Therefore, it has been classified as a Variant of Uncertain Significance. This variant has not been reported in the literature in individuals affected with PTPN23-related conditions. This variant is not present in population databases (gnomAD no frequency). This sequence change replaces glutamic acid, which is acidic and polar, with aspartic acid, which is acidic and polar, at codon 1203 of the PTPN23 protein (p.Glu1203Asp). Algorithms developed to predict the effect of missense changes on protein structure and function are either unavailable or do not agree on the potential impact of this missense change (SIFT: "Tolerated"; PolyPhen-2: "Possibly Damaging"; Align-GVGD: "Class C0").

NM_015466.4(PTPN23):c.3609A>C (p.Glu1203Asp)

Gene: PTPN23 (protein tyrosine phosphatase non-receptor type 23; plus strand). Cytogenetic location: 3p21.31.
Variant type: single nucleotide variant.
Coding change: c.3609A>C on transcript NM_015466.4 (MANE Select); coding-DNA position 3609, A replaced by C.
Protein change: p.Glu1203Asp; replaces glutamic acid 1203 with aspartic acid.
Molecular consequence: missense variant.
Genome position (GRCh38, 1-based): chr3:47,411,407, A>C. VCF-style: chr3-47411407-A-C. GRCh37 (hg19) VCF-style: chr3-47452897-A-C.
Other names: c.3231A>C, p.Glu1077Asp (NM_001304482.2); short protein forms E1077D, E1203D.
Identifiers: ClinVar variation 1366805 (VCV001366805.8), dbSNP rs2107725205, ClinGen allele CA352563019.
Genomic context (GRCh38, chr3:47,411,407, plus strand): 5'-TCAGCTGGGGGATGTGGGAGCTCTGGACACTGTCTGGCGAGAGCTGCAAGATGCGCAGGA[A>C]CATGATGCCCGAGGCCGTTCCATCGCCATTGCCCGCTGCTACTCACTGAAGAACCGGCAC-3'
Protein context (NP_056281.1, residues 1193-1213): TVWRELQDAQ[Glu1203Asp]HDARGRSIAI